The following is an entry in ClinVar:

NM_181426.2(CCDC39):c.644A>C (p.Lys215Thr)

Gene: CCDC39 (coiled-coil domain 39 molecular ruler complex subunit; minus strand). Cytogenetic location: 3q26.33.
Variant type: single nucleotide variant.
Coding change: c.644A>C on transcript NM_181426.2 (MANE Select); coding-DNA position 644, A replaced by C.
Protein change: p.Lys215Thr; replaces lysine 215 with threonine.
Molecular consequence: missense variant.
Genome position (GRCh38, 1-based): chr3:180,659,546, T>G on the plus strand (A>C on the coding strand, the complement: CCDC39 is on the minus strand). VCF-style: chr3-180659546-T-G. GRCh37 (hg19) VCF-style: chr3-180377334-T-G.
Other names: short protein forms K215T.
Identifiers: ClinVar variation 1753580 (VCV001753580.2), dbSNP rs376300013, ClinGen allele CA2716113.

ClinVar aggregate classification (germline): Uncertain significance (1 of 4 stars; one submission).

Conditions:
Primary ciliary dyskinesia. Also called: Ciliary dyskinesia. Identifiers: Orphanet 244, MedGen C0008780, MONDO:0016575, HP:0012265.

Allele frequency attached by ClinVar (database versions not stated): 1000 Genomes Project 30x 0.00016; ESP Exome Variant Server 0.00017; gnomAD 0.00019; 1000 Genomes Project 0.00020; TOPMed 0.00026.
gnomAD v4.1: 58 of 1,613,278 alleles (0.0036%); highest among the groups gnomAD compares: African/African-American, 0.068%; 1 homozygote.

Submission:

Ambry Genetics
Classification: Uncertain significance for Primary ciliary dyskinesia. Last evaluated: 2020-03-23. Review status: criteria provided, single submitter. Criteria: Ambry Variant Classification Scheme 2023. Collection method: clinical testing. Allele origin: germline.
Comment: The p.K215T variant (also known as c.644A>C), located in coding exon 6 of the CCDC39 gene, results from an A to C substitution at nucleotide position 644. The lysine at codon 215 is replaced by threonine, an amino acid with similar properties. This amino acid position is poorly conserved in available vertebrate species. In addition, this alteration is predicted to be tolerated by in silico analysis. Since supporting evidence is limited at this time, the clinical significance of this alteration remains unclear.